The following is an entry in ClinVar:

ClinVar aggregate classification (germline): Uncertain significance. Review status: criteria provided, multiple submitters, no conflicts (2 of 4 stars). 2 submissions from 2 submitters: Uncertain significance (2). Last evaluated 2024-06-17.

Allele frequency attached by ClinVar (database versions not stated): ExAC 0.00001; gnomAD exomes 0.00002; TOPMed 0.00002.

Submissions (2):

Ambry Genetics
Classification: Uncertain significance. Last evaluated: 2024-06-17. Review status: criteria provided, single submitter. Criteria: Ambry Variant Classification Scheme 2023. Collection method: clinical testing. Allele origin: germline.

Labcorp Genetics (formerly Invitae), Labcorp
Classification: Uncertain significance. Last evaluated: 2022-08-29. Review status: criteria provided, single submitter. Criteria: Invitae Variant Classification Sherloc (09022015). Collection method: clinical testing. Allele origin: germline.
Comment: In summary, the available evidence is currently insufficient to determine the role of this variant in disease. Therefore, it has been classified as a Variant of Uncertain Significance. Algorithms developed to predict the effect of missense changes on protein structure and function are either unavailable or do not agree on the potential impact of this missense change (SIFT: "Deleterious"; PolyPhen-2: "Probably Damaging"; Align-GVGD: "Class C0"). This variant has not been reported in the literature in individuals affected with HMCN1-related conditions. This variant is present in population databases (rs764898897, gnomAD 0.003%). This sequence change replaces glutamine, which is neutral and polar, with histidine, which is basic and polar, at codon 984 of the HMCN1 protein (p.Gln984His).

NM_031935.3(HMCN1):c.2952G>T (p.Gln984His)

Gene: HMCN1 (hemicentin 1; plus strand). Cytogenetic location: 1q31.1.
Variant type: single nucleotide variant.
Coding change: c.2952G>T on transcript NM_031935.3 (MANE Select); coding-DNA position 2952, G replaced by T.
Protein change: p.Gln984His; replaces glutamine 984 with histidine.
Molecular consequence: missense variant.
Genome position (GRCh38, 1-based): chr1:185,987,448, G>T. VCF-style: chr1-185987448-G-T. GRCh37 (hg19) VCF-style: chr1-185956580-G-T.
Other names: c.2952G>T (NM_031935.2); short protein forms Q984H.
Identifiers: ClinVar variation 1957562 (VCV001957562.6), dbSNP rs764898897, ClinGen allele CA1291580.